The following is an entry in ClinVar:

ClinVar aggregate classification (germline): Uncertain significance (1 of 4 stars; one submission).

Conditions:
Glycine encephalopathy. Also called: Non-ketotic hyperglycinemia; Nonketotic hyperglycinemia. Identifiers: Orphanet 407, MedGen C0751748, MONDO:0011612, HP:0008288.

Submission:

Labcorp Genetics (formerly Invitae), Labcorp
Classification: Uncertain significance for Glycine encephalopathy. Last evaluated: 2022-11-08. Review status: criteria provided, single submitter. Criteria: Invitae Variant Classification Sherloc (09022015). Collection method: clinical testing. Allele origin: germline.
Comment: This sequence change replaces glycine, which is neutral and non-polar, with alanine, which is neutral and non-polar, at codon 261 of the GLDC protein (p.Gly261Ala). This variant is not present in population databases (gnomAD no frequency). This variant has not been reported in the literature in individuals affected with GLDC-related conditions. Advanced modeling of protein sequence and biophysical properties (such as structural, functional, and spatial information, amino acid conservation, physicochemical variation, residue mobility, and thermodynamic stability) performed at Invitae indicates that this missense variant is not expected to disrupt GLDC protein function. In summary, the available evidence is currently insufficient to determine the role of this variant in disease. Therefore, it has been classified as a Variant of Uncertain Significance.

NM_000170.3(GLDC):c.782G>C (p.Gly261Ala)

Gene: GLDC (glycine decarboxylase; minus strand). Cytogenetic location: 9p24.1.
Variant type: single nucleotide variant.
Coding change: c.782G>C on transcript NM_000170.3 (MANE Select); coding-DNA position 782, G replaced by C.
Protein change: p.Gly261Ala; replaces glycine 261 with alanine.
Molecular consequence: missense variant.
Genome position (GRCh38, 1-based): chr9:6,605,210, C>G on the plus strand (G>C on the coding strand, the complement: GLDC is on the minus strand). VCF-style: chr9-6605210-C-G. GRCh37 (hg19) VCF-style: chr9-6605210-C-G.
Other names: short protein forms G261A.
Identifiers: ClinVar variation 2118501 (VCV002118501.4), dbSNP rs2489104284, ClinGen allele CA372896514.